The following is an entry in ClinVar:

ClinVar aggregate classification (germline): Uncertain significance (1 of 4 stars; one submission).

Allele frequency attached by ClinVar (database versions not stated): gnomAD exomes below 0.00001; TOPMed below 0.00001; gnomAD 0.00001.
gnomAD v4.1: 3 of 1,064,624 alleles (0.00028%); highest among the groups gnomAD compares: African/African-American, 0.0017%; no homozygotes.

Submission:

GeneDx
Classification: Uncertain significance. Last evaluated: 2023-10-20. Review status: criteria provided, single submitter. Criteria: GeneDx Variant Classification Process June 2021. Collection method: clinical testing. Allele origin: germline. Affected: yes.
Comment: Not observed at a significant frequency in large population cohorts (gnomAD); In silico analysis supports that this missense variant does not alter protein structure/function; Has not been previously published as pathogenic or benign to our knowledge

NM_004612.4(TGFBR1):c.35T>C (p.Leu12Pro)

Genes: TGFBR1 (transforming growth factor beta receptor 1; plus strand), LOC130002223 (ATAC-STARR-seq lymphoblastoid silent region 20124; plus strand). Cytogenetic location: 9q22.33.
Variant type: single nucleotide variant.
Coding change: c.35T>C on transcript NM_004612.4 (MANE Select); coding-DNA position 35, T replaced by C.
Protein change: p.Leu12Pro; replaces leucine 12 with proline.
Molecular consequence: missense variant.
Genome position (GRCh38, 1-based): chr9:99,105,240, T>C. VCF-style: chr9-99105240-T-C. GRCh37 (hg19) VCF-style: chr9-101867522-T-C.
Other names: c.35T>C, p.Leu12Pro (NM_001130916.3, NM_001306210.2); short protein forms L12P.
Identifiers: ClinVar variation 391903 (VCV000391903.4), dbSNP rs1057524279, ClinGen allele CA16605586.